The following is an entry in ClinVar:

NM_000361.3(THBD):c.-58G>C

Gene: THBD (thrombomodulin; minus strand). Cytogenetic location: 20p11.21.
Variant type: single nucleotide variant.
Coding change: c.-58G>C on transcript NM_000361.3 (MANE Select); 58 bases upstream of the start codon, G replaced by C.
Molecular consequence: 5 prime UTR variant.
Genome position (GRCh38, 1-based): chr20:23,049,562, C>G on the plus strand (G>C on the coding strand, the complement: THBD is on the minus strand). VCF-style: chr20-23049562-C-G. GRCh37 (hg19) VCF-style: chr20-23030199-C-G.
Identifiers: ClinVar variation 337897 (VCV000337897.10), dbSNP rs13306849, ClinGen allele CA9787824.

ClinVar aggregate classification (germline): Benign. Review status: criteria provided, multiple submitters, no conflicts (2 of 4 stars). 4 submissions from 4 submitters: Benign (4). Last evaluated 2025-09-22.

Conditions:
Thrombomodulin-related bleeding disorder (THPH12). Also called: Thrombophilia due to thrombomodulin defect. Identifiers: Orphanet 436169, MedGen C3280976, MONDO:0013775, OMIM 614486.
Atypical hemolytic-uremic syndrome with thrombomodulin anomaly. Also called: HEMOLYTIC UREMIC SYNDROME, ATYPICAL, SUSCEPTIBILITY TO, 6; AHUS, SUSCEPTIBILITY TO, 6. Identifiers: MedGen C2752036, MONDO:0013044, OMIM 612926. Disease mechanism: gain of function.

Allele frequency attached by ClinVar (database versions not stated): gnomAD exomes 0.00872; ExAC 0.00902; gnomAD 0.02804; TOPMed 0.03409; 1000 Genomes Project 0.03534; 1000 Genomes Project 30x 0.03826.
gnomAD v4.1: 10,078 of 1,535,974 alleles (0.66%); highest among the groups gnomAD compares: African/African-American, 9.4%; 357 homozygotes.

Submissions (4):

Genomenon, Inc
Classification: Benign for Thrombomodulin-related bleeding disorder. Last evaluated: 2025-09-22. Review status: criteria provided, single submitter. Criteria: Genomenon Sequence Variant Interpretation Standards - Updated. Collection method: curation. Allele origin: germline. Affected: no.
Comment: THBD c.-58G>C is a variant located in the 5' untranslated region (5′ UTR). This variant is present at high allele frequency in population databases. In conclusion, we classify THBD c.-58G>C as a benign variant.

GeneDx
Classification: Benign. Last evaluated: 2021-05-23. Review status: criteria provided, single submitter. Criteria: GeneDx Variant Classification Process June 2021. Collection method: clinical testing. Allele origin: germline. Affected: yes.

Illumina Laboratory Services, Illumina
Classification: Benign for Atypical hemolytic-uremic syndrome with thrombomodulin anomaly. Last evaluated: 2018-01-13. Review status: criteria provided, single submitter. Criteria: ICSL Variant Classification Criteria 13 December 2019. Collection method: clinical testing. Allele origin: germline.
Comment: This variant was observed in the ICSL laboratory as part of a predisposition screen in an ostensibly healthy population. It had not been previously curated by ICSL or reported in the Human Gene Mutation Database (HGMD: prior to June 1st, 2018), and was therefore a candidate for classification through an automated scoring system. Utilizing variant allele frequency, disease prevalence and penetrance estimates, and inheritance mode, an automated score was calculated to assess if this variant is too frequent to cause the disease. Based on the score and internal cut-off values, a variant classified as benign is not then subjected to further curation. The score for this variant resulted in a classification of benign for this disease.

Breakthrough Genomics
Classification: Benign. Review status: criteria provided, single submitter. Criteria: ACMG Guidelines, 2015. Collection method: not provided. Allele origin: germline. Inheritance: Autosomal dominant inheritance. Affected: yes.